The following is an entry in ClinVar:

ClinVar aggregate classification (germline): Uncertain significance. Review status: criteria provided, multiple submitters, no conflicts (2 of 4 stars). 2 submissions from 2 submitters: Uncertain significance (2). Last evaluated 2025-11-25.

Conditions:
Inborn genetic diseases. Identifiers: MedGen C0950123, MeSH D030342.

Allele frequency attached by ClinVar (database versions not stated): ExAC 0.00001; gnomAD exomes 0.00002; TOPMed 0.00003; gnomAD 0.00004; ESP Exome Variant Server 0.00008.
gnomAD v4.1: 39 of 1,614,026 alleles (0.0024%); highest among the groups gnomAD compares: Non-Finnish European, 0.0033%; no homozygotes.

Submissions (2):

Labcorp Genetics (formerly Invitae), Labcorp
Classification: Uncertain significance. Last evaluated: 2025-11-25. Review status: criteria provided, single submitter. Criteria: Invitae Variant Classification Sherloc (09022015). Collection method: clinical testing. Allele origin: germline.
Comment: This sequence change replaces alanine, which is neutral and non-polar, with glycine, which is neutral and non-polar, at codon 251 of the COLGALT1 protein (p.Ala251Gly). This variant is present in population databases (rs147034710, gnomAD 0.003%). This variant has not been reported in the literature in individuals affected with COLGALT1-related conditions. ClinVar contains an entry for this variant (Variation ID: 2182051). Invitae Evidence Modeling of protein sequence and biophysical properties (such as structural, functional, and spatial information, amino acid conservation, physicochemical variation, residue mobility, and thermodynamic stability) indicates that this missense variant is not expected to disrupt COLGALT1 protein function with a negative predictive value of 80%. In summary, the available evidence is currently insufficient to determine the role of this variant in disease. Therefore, it has been classified as a Variant of Uncertain Significance.

Ambry Genetics
Classification: Uncertain significance for Inborn genetic diseases. Last evaluated: 2025-06-18. Review status: criteria provided, single submitter. Criteria: Ambry Variant Classification Scheme 2023. Collection method: clinical testing. Allele origin: germline.

NM_024656.4(COLGALT1):c.752C>G (p.Ala251Gly)

Gene: COLGALT1 (collagen beta(1-O)galactosyltransferase 1; plus strand). Cytogenetic location: 19p13.11.
Variant type: single nucleotide variant.
Coding change: c.752C>G on transcript NM_024656.4 (MANE Select); coding-DNA position 752, C replaced by G.
Protein change: p.Ala251Gly; replaces alanine 251 with glycine.
Molecular consequence: missense variant.
Genome position (GRCh38, 1-based): chr19:17,568,636, C>G. VCF-style: chr19-17568636-C-G. GRCh37 (hg19) VCF-style: chr19-17679445-C-G.
Other names: c.752C>G (NM_024656.2); short protein forms A251G.
Identifiers: ClinVar variation 2182051 (VCV002182051.5), dbSNP rs147034710, ClinGen allele CA9297028.
Genomic context (GRCh38, chr19:17,568,636, plus strand): 5'-TTCCCATGGTGCACTCGACCTTCCTGATCGACCTGCGGAAGGCGGCGTCCAGGAACCTGG[C>G]CTTCTACCCACCTCACCCTGACTACACCTGGTCCTTTGACGACATCATCGTCTTTGCCTT-3'
Protein context (NP_078932.2, residues 241-261): DLRKAASRNL[Ala251Gly]FYPPHPDYTW